The following is an entry in ClinVar:

NM_001451.3(FOXF1):c.185A>C (p.Gln62Pro)

Gene: FOXF1 (forkhead box F1; plus strand). Cytogenetic location: 16q24.1.
Variant type: single nucleotide variant.
Coding change: c.185A>C on transcript NM_001451.3 (MANE Select); coding-DNA position 185, A replaced by C.
Protein change: p.Gln62Pro; replaces glutamine 62 with proline.
Molecular consequence: missense variant.
Genome position (GRCh38, 1-based): chr16:86,510,754, A>C. VCF-style: chr16-86510754-A-C. GRCh37 (hg19) VCF-style: chr16-86544360-A-C.
Other names: short protein forms Q62P.
Identifiers: ClinVar variation 2584540 (VCV002584540.1), dbSNP rs2507450358, ClinGen allele CA397005417.

ClinVar aggregate classification (germline): Pathogenic (1 of 4 stars; one submission).

Conditions:
Alveolar capillary dysplasia with pulmonary venous misalignment. Also called: ALVEOLAR CAPILLARY DYSPLASIA WITH MISALIGNMENT OF PULMONARY VEINS AND OTHER CONGENITAL ANOMALIES; Congenital alveolar capillary dysplasia; Alveolar capillary dysplasia with misalignment of pulmonary veins. Identifiers: Orphanet 210122, MedGen C2960310, MONDO:0009934, OMIM 265380.

Submission:

Rady Children's Institute for Genomic Medicine, Rady Children's Hospital San Diego
Classification: Pathogenic for ALVEOLAR CAPILLARY DYSPLASIA WITH MISALIGNMENT OF PULMONARY VEINS. Review status: criteria provided, single submitter. Criteria: ACMG Guidelines, 2015. Collection method: clinical testing. Allele origin: germline. Affected: yes.
Comment: This variant has not been previously reported or functionally characterized in the literature to our knowledge. However, the same amino acid change, but different nucleotide change (c.185A>G, p.Gln62Arg) has been previously reported in a patient with respiratory distress and intestinal malrotation (PMID: 31641027). It is absent from the gnomAD population database and thus is presumed to be rare. The c.185A>C (p.Gln62Pro) variant affects a highly conserved amino acid and is predicted by multiple in silico tools to have a deleterious effect on protein function. Analysis of the parental samples was negative for the variant, indicating this variant likely occurred as a de novo event. Based on the available evidence, the c.185A>C (p.Gln62Pro) variant is classified as Pathogenic.